The following is an entry in ClinVar:

NM_001308210.2(TSHZ1):c.1892C>T (p.Pro631Leu)

Gene: TSHZ1 (teashirt zinc finger homeobox 1; plus strand). Cytogenetic location: 18q22.3.
Variant type: single nucleotide variant.
Coding change: c.1892C>T on transcript NM_001308210.2 (MANE Select); coding-DNA position 1892, C replaced by T.
Protein change: p.Pro631Leu; replaces proline 631 with leucine.
Molecular consequence: missense variant.
Genome position (GRCh38, 1-based): chr18:75,287,299, C>T. VCF-style: chr18-75287299-C-T. GRCh37 (hg19) VCF-style: chr18-72999254-C-T.
Other names: c.1757C>T, p.Pro586Leu (NM_005786.6); c.1757C>T (NM_005786.4); short protein forms P586L, P631L.
Identifiers: ClinVar variation 1049280 (VCV001049280.4), dbSNP rs201765142, ClinGen allele CA9002160.

ClinVar aggregate classification (germline): Uncertain significance. Review status: criteria provided, single submitter (1 of 4 stars). 2 submissions from 2 submitters: Uncertain significance (1). 1 of the submissions does not count toward it. Last evaluated 2025-09-11.

Conditions:
Aural atresia, congenital (CAA). Also called: AURAL ATRESIA, CONGENITAL, WITH HYPOSMIA. Identifiers: MedGen C1842937, MONDO:0011921, OMIM 607842.

Allele frequency attached by ClinVar (database versions not stated): gnomAD 0.00001 and 0.00002; TOPMed 0.00003; ExAC 0.00004; gnomAD exomes 0.00004; ESP Exome Variant Server 0.00008; 1000 Genomes Project 0.00020; 1000 Genomes Project 30x 0.00031.

Submissions (2):

Ambry Genetics
Classification: Uncertain significance. Last evaluated: 2025-09-11. Review status: criteria provided, single submitter. Criteria: Ambry Variant Classification Scheme 2023. Collection method: clinical testing. Allele origin: germline.

Department of Pathology and Laboratory Medicine, Sinai Health System
Classification: Uncertain significance for Aural atresia, congenital. Review status: no assertion criteria provided. Collection method: clinical testing. Allele origin: unknown. Affected: yes. Study: The Canadian Open Genetics Repository (COGR). Not counted in ClinVar's aggregate classification.
Comment: The TSHZ1 p.P586L variant was not identified in the literature nor was it identified in ClinVar. The variant was identified in dbSNP (ID: rs201765142) and in control databases in 9 of 250372 chromosomes at a frequency of 0.00003595 (Genome Aggregation Database March 6, 2019, v2.1.1). The p.P586 residue is conserved in mammals and computational analyses (MUT Assesor, PolyPhen-2, SIFT, MutationTaster, Revel, FATHMM, MetaLR, DANN) do not suggest a high likelihood of impact to the protein; this information is not predictive enough to rule out pathogenicity. The variant occurs outside of the splicing consensus sequence and in silico or computational prediction software programs (Splice AI exome) do not predict a difference in splicing. In summary, based on the above information the clinical significance of this variant cannot be determined with certainty at this time. This variant is classified as a variant of uncertain significance.